The following is an entry in ClinVar:

NM_001040108.2(MLH3):c.1229C>G (p.Ala410Gly)

Gene: MLH3 (mutL homolog 3; minus strand). Cytogenetic location: 14q24.3.
Variant type: single nucleotide variant.
Coding change: c.1229C>G on transcript NM_001040108.2 (MANE Select); coding-DNA position 1229, C replaced by G.
Protein change: p.Ala410Gly; replaces alanine 410 with glycine.
Molecular consequence: missense variant.
Genome position (GRCh38, 1-based): chr14:75,048,427, G>C on the plus strand (C>G on the coding strand, the complement: MLH3 is on the minus strand). VCF-style: chr14-75048427-G-C. GRCh37 (hg19) VCF-style: chr14-75515130-G-C.
Other names: c.1229C>G, p.Ala410Gly (NM_014381.3); short protein forms A410G.
Identifiers: ClinVar variation 1467894 (VCV001467894.8), dbSNP rs930453949, ClinGen allele CA390446920.

ClinVar aggregate classification (germline): Uncertain significance. Review status: criteria provided, multiple submitters, no conflicts (2 of 4 stars). 2 submissions from 2 submitters: Uncertain significance (2). Last evaluated 2022-08-08.

Conditions:
Colorectal cancer, hereditary nonpolyposis, type 7. Identifiers: Orphanet 144, MedGen C1858380, MONDO:0013725, OMIM 614385.

Allele frequency attached by ClinVar (database versions not stated): gnomAD exomes below 0.00001.
gnomAD v4.1: 3 of 1,609,434 alleles (0.00019%); highest among the groups gnomAD compares: Non-Finnish European, 0.00025%; no homozygotes.

Submissions (2):

Ambry Genetics
Classification: Uncertain significance. Last evaluated: 2022-08-08. Review status: criteria provided, single submitter. Criteria: Ambry Variant Classification Scheme 2023. Collection method: clinical testing. Allele origin: germline.
Comment: The p.A410G variant (also known as c.1229C>G), located in coding exon 1 of the MLH3 gene, results from a C to G substitution at nucleotide position 1229. The alanine at codon 410 is replaced by glycine, an amino acid with similar properties. This amino acid position is conserved. In addition, this alteration is predicted to be tolerated by in silico analysis. Since supporting evidence is limited at this time, the clinical significance of this alteration remains unclear.

Labcorp Genetics (formerly Invitae), Labcorp
Classification: Uncertain significance for Colorectal cancer, hereditary nonpolyposis, type 7. Last evaluated: 2021-11-17. Review status: criteria provided, single submitter. Criteria: Invitae Variant Classification Sherloc (09022015). Collection method: clinical testing. Allele origin: germline.
Comment: This variant has not been reported in the literature in individuals affected with MLH3-related conditions. Algorithms developed to predict the effect of missense changes on protein structure and function (SIFT, PolyPhen-2, Align-GVGD) all suggest that this variant is likely to be tolerated. Algorithms developed to predict the effect of sequence changes on RNA splicing suggest that this variant may create or strengthen a splice site. In summary, the available evidence is currently insufficient to determine the role of this variant in disease. Therefore, it has been classified as a Variant of Uncertain Significance. This variant is not present in population databases (gnomAD no frequency). This sequence change replaces alanine, which is neutral and non-polar, with glycine, which is neutral and non-polar, at codon 410 of the MLH3 protein (p.Ala410Gly).